The following is an entry in ClinVar:

ClinVar aggregate classification (germline): Uncertain significance (1 of 4 stars; one submission).

Submission:

Ambry Genetics
Classification: Uncertain significance. Last evaluated: 2024-04-16. Review status: criteria provided, single submitter. Criteria: Ambry Variant Classification Scheme 2023. Collection method: clinical testing. Allele origin: germline.
Comment: The p.P433A variant (also known as c.1297C>G), located in coding exon 13 of the NPAT gene, results from a C to G substitution at nucleotide position 1297. The proline at codon 433 is replaced by alanine, an amino acid with highly similar properties. This amino acid position is conserved. In addition, this alteration is predicted to be tolerated by in silico analysis. Based on the available evidence, the clinical significance of this variant remains unclear.

NM_002519.3(NPAT):c.1297C>G (p.Pro433Ala)

Gene: NPAT (nuclear protein, coactivator of histone transcription; minus strand). Cytogenetic location: 11q22.3.
Variant type: single nucleotide variant.
Coding change: c.1297C>G on transcript NM_002519.3 (MANE Select); coding-DNA position 1297, C replaced by G.
Protein change: p.Pro433Ala; replaces proline 433 with alanine.
Molecular consequence: missense variant.
Genome position (GRCh38, 1-based): chr11:108,173,687, G>C on the plus strand (C>G on the coding strand, the complement: NPAT is on the minus strand). VCF-style: chr11-108173687-G-C. GRCh37 (hg19) VCF-style: chr11-108044414-G-C.
Other names: c.1297C>G, p.Pro433Ala (NM_001321307.1); short protein forms P433A.
Identifiers: ClinVar variation 3300665 (VCV003300665.1).